The following is an entry in ClinVar:

NM_004006.3(DMD):c.6701C>A (p.Ala2234Asp)

Gene: DMD (dystrophin; minus strand). Cytogenetic location: Xp21.1.
Variant type: single nucleotide variant.
Coding change: c.6701C>A on transcript NM_004006.3 (MANE Select); coding-DNA position 6701, C replaced by A.
Protein change: p.Ala2234Asp; replaces alanine 2234 with aspartic acid.
Molecular consequence: missense variant. On other transcripts: 5 prime UTR variant (5).
Genome position (GRCh38, 1-based): chrX:31,932,141, G>T on the plus strand (C>A on the coding strand, the complement: DMD is on the minus strand). VCF-style: chrX-31932141-G-T. GRCh37 (hg19) VCF-style: chrX-31950258-G-T.
Other names: c.6677C>A, p.Ala2226Asp (NM_000109.4); c.6689C>A, p.Ala2230Asp (NM_004009.3); c.6332C>A, p.Ala2111Asp (NM_004010.3); c.2678C>A, p.Ala893Asp (NM_004011.4); c.2669C>A, p.Ala890Asp (NM_004012.4); c.-680C>A (NM_004013.3, NM_004020.4, NM_004021.3 and 2 more transcripts); short protein forms A2111D, A2226D, A2230D, A2234D, A890D, A893D.
Identifiers: ClinVar variation 1715474 (VCV001715474.6), dbSNP rs2094862905, ClinGen allele CA412658227.
Genomic context (GRCh38, chrX:31,932,141, plus strand): 5'-TTGACTTGCTCAAGCTTTTCTTTTAGTTGCTGCTCTTTTCCAGGTTCAAGTGGGATACTA[G>T]CAATGTTATCTGCTTCCTCCAACCATAAAACAAATTCATTTAAATCTCTTTGAAATTCTG-3'
Protein context (NP_003997.2, residues 2224-2244): VLWLEEADNI[Ala2234Asp]SIPLEPGKEQ

ClinVar aggregate classification (germline): Uncertain significance (1 of 4 stars; one submission).

Conditions:
Duchenne muscular dystrophy (DMD). Also called: MUSCULAR DYSTROPHY, PSEUDOHYPERTROPHIC PROGRESSIVE, DUCHENNE TYPE; Duchenne Muscular Dystrophy (DMD). Identifiers: Orphanet 98896, MedGen C0013264, MONDO:0010679, OMIM 310200.

gnomAD v4.1: 1 of 1,204,215 alleles (0.000083%); no homozygotes.

Submission:

Labcorp Genetics (formerly Invitae), Labcorp
Classification: Uncertain significance for Duchenne muscular dystrophy. Last evaluated: 2022-08-07. Review status: criteria provided, single submitter. Criteria: Invitae Variant Classification Sherloc (09022015). Collection method: clinical testing. Allele origin: germline.
Comment: In summary, the available evidence is currently insufficient to determine the role of this variant in disease. Therefore, it has been classified as a Variant of Uncertain Significance. Algorithms developed to predict the effect of missense changes on protein structure and function (SIFT, PolyPhen-2, Align-GVGD) all suggest that this variant is likely to be tolerated. This variant has not been reported in the literature in individuals affected with DMD-related conditions. This variant is not present in population databases (gnomAD no frequency). This sequence change replaces alanine, which is neutral and non-polar, with aspartic acid, which is acidic and polar, at codon 2234 of the DMD protein (p.Ala2234Asp).